The following is an entry in ClinVar:

ClinVar aggregate classification (germline): Uncertain significance (1 of 4 stars; one submission).

Conditions:
Fanconi anemia complementation group J. Also called: BRIP1-Related Fanconi Anemia. Identifiers: Orphanet 84, MedGen C1836860, MONDO:0012187, OMIM 609054.
Familial cancer of breast. Also called: BREAST CANCER, FAMILIAL; Hereditary breast cancer; hereditary breast carcinoma. Identifiers: Orphanet 227535, MedGen C0346153, MONDO:0016419, OMIM 114480. Disease mechanism: loss of function.

Submission:

Labcorp Genetics (formerly Invitae), Labcorp
Classification: Uncertain significance for Familial cancer of breast; Fanconi anemia complementation group J. Last evaluated: 2023-01-12. Review status: criteria provided, single submitter. Criteria: Invitae Variant Classification Sherloc (09022015). Collection method: clinical testing. Allele origin: germline.
Comment: This sequence change replaces aspartic acid, which is acidic and polar, with glutamic acid, which is acidic and polar, at codon 566 of the BRIP1 protein (p.Asp566Glu). In summary, the available evidence is currently insufficient to determine the role of this variant in disease. Therefore, it has been classified as a Variant of Uncertain Significance. Advanced modeling of protein sequence and biophysical properties (such as structural, functional, and spatial information, amino acid conservation, physicochemical variation, residue mobility, and thermodynamic stability) performed at Invitae indicates that this missense variant is not expected to disrupt BRIP1 protein function. This variant has not been reported in the literature in individuals affected with BRIP1-related conditions. This variant is not present in population databases (gnomAD no frequency).

NM_032043.3(BRIP1):c.1698C>G (p.Asp566Glu)

Gene: BRIP1 (BRCA1 interacting DNA helicase 1; minus strand). Cytogenetic location: 17q23.2.
Variant type: single nucleotide variant.
Coding change: c.1698C>G on transcript NM_032043.3 (MANE Select); coding-DNA position 1698, C replaced by G.
Protein change: p.Asp566Glu; replaces aspartic acid 566 with glutamic acid.
Molecular consequence: missense variant.
Genome position (GRCh38, 1-based): chr17:61,780,936, G>C on the plus strand (C>G on the coding strand, the complement: BRIP1 is on the minus strand). VCF-style: chr17-61780936-G-C. GRCh37 (hg19) VCF-style: chr17-59858297-G-C.
Other names: short protein forms D566E.
Identifiers: ClinVar variation 2932398 (VCV002932398.3), dbSNP rs1555602561, ClinGen allele CA400480439.